The following is an entry in ClinVar:

NM_000053.4(ATP7B):c.3413-1G>C

Gene: ATP7B (ATPase copper transporting beta; minus strand). Cytogenetic location: 13q14.3.
Variant type: single nucleotide variant.
Coding change: c.3413-1G>C on transcript NM_000053.4 (MANE Select); the canonical splice acceptor site of the intron before coding-DNA position 3413, G replaced by C.
Molecular consequence: splice acceptor variant. On other transcripts: intron variant (2).
Genome position (GRCh38, 1-based): chr13:51,941,225, C>G on the plus strand (G>C on the coding strand, the complement: ATP7B is on the minus strand). VCF-style: chr13-51941225-C-G. GRCh37 (hg19) VCF-style: chr13-52515361-C-G.
Other names: c.2927-1G>C (NM_001406541.1, NM_001406542.1); c.3161-1G>C (NM_001406531.1, NM_001406532.1, NM_001330579.2); c.3179-1G>C (NM_001406527.1, NM_001406528.1, NM_001330578.2); c.3074-1G>C (NM_001406537.1); c.3269-1G>C (NM_001406521.1, NM_001406522.1, NM_001406520.1); c.3407-1G>C (NM_001406513.1); c.3413-1G>C (NM_001406511.1, NM_001406512.1, NM_001406526.1); c.3064+1161G>C (NM_001406543.1); and 20 more.
Identifiers: ClinVar variation 3387493 (VCV003387493.1).

ClinVar aggregate classification (germline): Uncertain significance (1 of 4 stars; one submission).

Conditions:
Wilson disease (WND). Also called: Wilson's disease. Identifiers: Orphanet 905, MedGen C0019202, MONDO:0010200, OMIM 277900. Disease mechanism: loss of function.

Submission:

All of Us Research Program, National Institutes of Health
Classification: Uncertain significance for Wilson disease. Last evaluated: 2024-03-24. Review status: criteria provided, single submitter. Criteria: ACMG Guidelines, 2015. Collection method: clinical testing. Allele origin: germline. Inheritance: Autosomal recessive inheritance. Observed: 1 variant allele, 1 heterozygote.
Comment: This variant causes a c.G>C nucleotide substitution at the -1 position of intron 15 of the ATP7B gene. Splice site prediction tools suggest that this variant may have a significant impact on RNA splicing. To our knowledge, this prediction has not been investigated in published RNA studies. This variant has not been reported in individuals affected with ATP7B-related conditions in the literature. This variant has not been identified in the general population by the Genome Aggregation Database (gnomAD). Due to insufficient evidence, this variant is classified as Variant of Uncertain Significance.

This study involves interpretation of variants in research participants for the purpose of population health screening. Participant phenotype was not available at the time of variant classification. Additional details can be found in publication PMID: 35346344, PMCID: PMC8962531